The following is an entry in ClinVar:

NM_002294.3(LAMP2):c.534_537del (p.Asn179fs)

Gene: LAMP2 (lysosome associated membrane protein 2; minus strand). Cytogenetic location: Xq24.
Variant type: Deletion.
Coding change: c.534_537del on transcript NM_002294.3 (MANE Select); coding-DNA positions 534 to 537, 4 bases deleted (AAAT; older notation c.534_537delAAAT).
Protein change: p.Asn179fs; shifts the reading frame from asparagine 179.
Molecular consequence: frameshift variant.
Genome position (GRCh38, 1-based): chrX:120,448,989-120,448,992, ATTT deleted on the plus strand (AAAT on the coding strand, the reverse complement: LAMP2 is on the minus strand). VCF-style (leftmost placement, unchanged base first): chrX-120448988-CATTT-C. GRCh37 (hg19) VCF-style: chrX-119582843-CATTT-C.
Other names: c.534_537del, p.Asn179fs (NM_001122606.1, NM_013995.2); short protein forms N179fs.
Identifiers: ClinVar variation 4713185 (VCV004713185.1).

ClinVar aggregate classification (germline): Pathogenic (1 of 4 stars; one submission).

Conditions:
Danon disease. Also called: PSEUDOGLYCOGENOSIS II; GSD IIb; LYSOSOMAL GLYCOGEN STORAGE DISEASE WITHOUT ACID MALTASE DEFICIENCY; Glycogen Storage Disease Type IIb; ANTOPOL DISEASE. Identifiers: Orphanet 34587, MedGen C0878677, MONDO:0010281, OMIM 300257.

Submission:

Labcorp Genetics (formerly Invitae), Labcorp
Classification: Pathogenic for Danon disease. Last evaluated: 2025-02-16. Review status: criteria provided, single submitter. Criteria: Invitae Variant Classification Sherloc (09022015). Collection method: clinical testing. Allele origin: germline.
Comment: This sequence change creates a premature translational stop signal (p.Asn179Alafs*3) in the LAMP2 gene. It is expected to result in an absent or disrupted protein product. Loss-of-function variants in LAMP2 are known to be pathogenic (PMID: 21415759). This variant is not present in population databases (gnomAD no frequency). This variant has not been reported in the literature in individuals affected with LAMP2-related conditions. For these reasons, this variant has been classified as Pathogenic.

Literature cited by the submitters: PubMed 21415759.